The following is an entry in ClinVar:

NM_006415.4(SPTLC1):c.251_252dup (p.Val85fs)

Gene: SPTLC1 (serine palmitoyltransferase long chain base subunit 1; minus strand). Cytogenetic location: 9q22.31.
Variant type: Duplication.
Coding change: c.251_252dup on transcript NM_006415.4 (MANE Select); coding-DNA positions 251 to 252, 2 bases duplicated (TC; older notation c.251_252dupTC).
Protein change: p.Val85fs; shifts the reading frame from valine 85.
Molecular consequence: frameshift variant. On other transcripts: 5 prime UTR variant (2).
Genome position (GRCh38, 1-based): chr9:92,108,748-92,108,749, GA duplicated on the plus strand (TC on the coding strand, the reverse complement: SPTLC1 is on the minus strand). VCF-style (leftmost placement, unchanged base first): chr9-92108747-C-CGA. GRCh37 (hg19) VCF-style: chr9-94871029-C-CGA.
Other names: c.251_252dup, p.Val85fs (NM_001281303.2, NM_178324.3); c.-249_-248dup (NM_001368272.1); c.-215_-214dup (NM_001368273.1); short protein forms V85fs.
Identifiers: ClinVar variation 1498420 (VCV001498420.6), dbSNP rs2118826066, ClinGen allele CA2573144766.

ClinVar aggregate classification (germline): Uncertain significance (1 of 4 stars; one submission).

Conditions:
Hereditary sensory and autonomic neuropathy type 1 (HSAN1). Also called: HSAN 1; HSN Type I; Hereditary Sensory Neuropathy Type I. Identifiers: Orphanet 36386, MedGen C0020071, MONDO:0018213.

Submission:

Labcorp Genetics (formerly Invitae), Labcorp
Classification: Uncertain significance for Hereditary sensory and autonomic neuropathy type 1. Last evaluated: 2020-11-17. Review status: criteria provided, single submitter. Criteria: Invitae Variant Classification Sherloc (09022015). Collection method: clinical testing. Allele origin: germline.
Comment: This sequence change creates a premature translational stop signal (p.Val85Serfs*12) in the SPTLC1 gene. It is expected to result in an absent or disrupted protein product. However, the current clinical and genetic evidence is not sufficient to establish whether loss-of-function variants in SPTLC1 cause disease. This variant is not present in population databases (ExAC no frequency). This variant has not been reported in the literature in individuals with SPTLC1-related conditions. In summary, the available evidence is currently insufficient to determine the role of this variant in disease. Therefore, it has been classified as a Variant of Uncertain Significance.